The following is an entry in ClinVar:

ClinVar aggregate classification (germline): Uncertain significance (1 of 4 stars; one submission).

Submission:

Labcorp Genetics (formerly Invitae), Labcorp
Classification: Uncertain significance. Last evaluated: 2022-02-03. Review status: criteria provided, single submitter. Criteria: Invitae Variant Classification Sherloc (09022015). Collection method: clinical testing. Allele origin: germline.
Comment: This sequence change replaces proline, which is neutral and non-polar, with serine, which is neutral and polar, at codon 1040 of the KIAA1549 protein (p.Pro1040Ser). This variant is not present in population databases (gnomAD no frequency). In summary, the available evidence is currently insufficient to determine the role of this variant in disease. Therefore, it has been classified as a Variant of Uncertain Significance. Algorithms developed to predict the effect of missense changes on protein structure and function are either unavailable or do not agree on the potential impact of this missense change (SIFT: "Deleterious"; PolyPhen-2: "Probably Damaging"; Align-GVGD: "Class C0"). This variant has not been reported in the literature in individuals affected with KIAA1549-related conditions.

NM_001164665.2(KIAA1549):c.3118C>T (p.Pro1040Ser)

Gene: KIAA1549 (KIAA1549; minus strand). Cytogenetic location: 7q34.
Variant type: single nucleotide variant.
Coding change: c.3118C>T on transcript NM_001164665.2 (MANE Select); coding-DNA position 3118, C replaced by T.
Protein change: p.Pro1040Ser; replaces proline 1040 with serine.
Molecular consequence: missense variant.
Genome position (GRCh38, 1-based): chr7:138,911,173, G>A on the plus strand (C>T on the coding strand, the complement: KIAA1549 is on the minus strand). VCF-style: chr7-138911173-G-A. GRCh37 (hg19) VCF-style: chr7-138595919-G-A.
Other names: c.3118C>T, p.Pro1040Ser (NM_020910.3); short protein forms P1040S.
Identifiers: ClinVar variation 1977211 (VCV001977211.5), dbSNP rs2130465900, ClinGen allele CA369388590.